The following is an entry in ClinVar:

ClinVar aggregate classification (germline): Uncertain significance (1 of 4 stars; one submission).

Conditions:
Joubert syndrome. Also called: Familial aplasia of the vermis; CEREBELLOPARENCHYMAL DISORDER IV; JOUBERT-BOLTSHAUSER SYNDROME. Identifiers: Orphanet 475, MedGen C5979921, MONDO:0018772.
Meckel-Gruber syndrome. Also called: Dysencephalia splachnocystica; DYSENCEPHALIA SPLANCHNOCYSTICA; GRUBER SYNDROME. Identifiers: Orphanet 564, MedGen C0265215, MONDO:0018921.
Nephronophthisis. Also called: Juvenile Nephronophthisis. Identifiers: Orphanet 655, MedGen C0687120, MONDO:0019005, HP:0000090.

Submission:

Labcorp Genetics (formerly Invitae), Labcorp
Classification: Uncertain significance for Joubert syndrome; Meckel-Gruber syndrome; Nephronophthisis. Last evaluated: 2020-01-23. Review status: criteria provided, single submitter. Criteria: Invitae Variant Classification Sherloc (09022015). Collection method: clinical testing. Allele origin: germline.
Comment: In summary, the available evidence is currently insufficient to determine the role of this variant in disease. Therefore, it has been classified as a Variant of Uncertain Significance. Algorithms developed to predict the effect of missense changes on protein structure and function output the following: SIFT: "Tolerated"; PolyPhen-2: "Benign"; Align-GVGD: "Class C0". The serine amino acid residue is found in multiple mammalian species, suggesting that this missense change does not adversely affect protein function. These predictions have not been confirmed by published functional studies and their clinical significance is uncertain. This variant has not been reported in the literature in individuals with CEP290-related conditions. This variant is not present in population databases (ExAC no frequency). This sequence change replaces asparagine with serine at codon 2290 of the CEP290 protein (p.Asn2290Ser). The asparagine residue is weakly conserved and there is a small physicochemical difference between asparagine and serine.

NM_025114.4(CEP290):c.6869A>G (p.Asn2290Ser)

Gene: CEP290 (centrosomal protein 290; minus strand). Cytogenetic location: 12q21.32.
Variant type: single nucleotide variant.
Coding change: c.6869A>G on transcript NM_025114.4 (MANE Select); coding-DNA position 6869, A replaced by G.
Protein change: p.Asn2290Ser; replaces asparagine 2290 with serine.
Molecular consequence: missense variant.
Genome position (GRCh38, 1-based): chr12:88,055,667, T>C on the plus strand (A>G on the coding strand, the complement: CEP290 is on the minus strand). VCF-style: chr12-88055667-T-C. GRCh37 (hg19) VCF-style: chr12-88449444-T-C.
Other names: short protein forms N2290S.
Identifiers: ClinVar variation 1036081 (VCV001036081.11), dbSNP rs2033940025, ClinGen allele CA385976539.